The following is an entry in ClinVar:

NM_000334.4(SCN4A):c.4508A>G (p.Asn1503Ser)

Genes: GH-LCR (growth hormone locus control region; plus strand), SCN4A (sodium voltage-gated channel alpha subunit 4; minus strand). Cytogenetic location: 17q23.3.
Variant type: single nucleotide variant.
Coding change: c.4508A>G on transcript NM_000334.4 (MANE Select); coding-DNA position 4508, A replaced by G.
Protein change: p.Asn1503Ser; replaces asparagine 1503 with serine.
Molecular consequence: missense variant.
Genome position (GRCh38, 1-based): chr17:63,941,774, T>C on the plus strand (A>G on the coding strand, the complement: SCN4A is on the minus strand). VCF-style: chr17-63941774-T-C. GRCh37 (hg19) VCF-style: chr17-62019134-T-C.
Other names: short protein forms N1503S.
Identifiers: ClinVar variation 967828 (VCV000967828.18), dbSNP rs114900922, ClinGen allele CA8708953.

ClinVar aggregate classification (germline): Conflicting classifications of pathogenicity. Review status: criteria provided, conflicting classifications (1 of 4 stars). 6 submissions from 6 submitters: Uncertain significance (4); Likely benign (1). 1 of the submissions does not count toward it. Last evaluated 2026-01-24.

Conditions:
SCN4A-related disorder. Also called: SCN4A-related disorders.
Potassium-aggravated myotonia. Also called: Myotonia congenita, atypical, acetazolamide-responsive; MYOTONIA CONGENITA, ACETAZOLAMIDE-RESPONSIVE; MYOTONIA CONGENITA, ATYPICAL; SODIUM CHANNEL MUSCLE DISEASE. Identifiers: Orphanet 612, Orphanet 99734, Orphanet 99735, Orphanet 99736, MedGen C2931826, MONDO:0018959, OMIM 608390.
Congenital myasthenic syndrome 16. Identifiers: Orphanet 590, MedGen C3280112, MONDO:0013620, OMIM 614198.
Paramyotonia congenita of Von Eulenburg. Also called: Paramyotonia Congenita; PARALYSIS PERIODICA PARAMYOTONICA; Eulenburg disease; Myotonia congenita intermittens; Von Eulenburg paramyotonia congenita. Identifiers: Orphanet 684, MedGen C0221055, MONDO:0008195, OMIM 168300. Disease mechanism: loss of function.
Hypokalemic periodic paralysis, type 2 (HOKPP2). Identifiers: Orphanet 681, MedGen C2750061, MONDO:0013234, OMIM 613345.
Hypokalemic periodic paralysis, type 1. Also called: Hypokalemic Periodic Paralysis Type 1 (AD); HypoPP. Identifiers: Orphanet 681, MedGen C3714580, MONDO:0042979, OMIM 170400.
Hyperkalemic periodic paralysis. Also called: Familial hyperkalemic periodic paralysis; Gamstorp disease. Identifiers: Orphanet 682, MedGen C0238357, MONDO:0008224, OMIM 170500, HP:0007215.

Allele frequency attached by ClinVar (database versions not stated): gnomAD exomes 0.00013 and 0.00006; gnomAD 0.00070 and 0.00063; ESP Exome Variant Server 0.00046; 1000 Genomes Project 30x 0.00156; TOPMed 0.00060; ExAC 0.00017; 1000 Genomes Project 0.00120.
gnomAD v4.1: 180 of 1,614,086 alleles (0.011%); highest among the groups gnomAD compares: African/African-American, 0.22%; no homozygotes.

Submissions (6):

Labcorp Genetics (formerly Invitae), Labcorp
Classification: Likely benign for Hyperkalemic periodic paralysis. Last evaluated: 2026-01-24. Review status: criteria provided, single submitter. Criteria: Invitae Variant Classification Sherloc (09022015). Collection method: clinical testing. Allele origin: germline.

Revvity Omics, Revvity
Classification: Uncertain significance. Last evaluated: 2025-04-08. Review status: criteria provided, single submitter. Criteria: ACMG Guidelines, 2015. Collection method: clinical testing. Allele origin: germline.

GeneDx
Classification: Uncertain significance. Last evaluated: 2024-09-25. Review status: criteria provided, single submitter. Criteria: GeneDx Variant Classification Process June 2021. Collection method: clinical testing. Allele origin: germline. Affected: yes.
Comment: In silico analysis supports that this missense variant has a deleterious effect on protein structure/function; Has not been previously published as pathogenic or benign to our knowledge

Women's Health and Genetics/Laboratory Corporation of America, LabCorp
Classification: Uncertain significance. Last evaluated: 2024-01-02. Review status: criteria provided, single submitter. Criteria: LabCorp Variant Classification Summary - May 2015. Collection method: clinical testing. Allele origin: germline.
Comment: Variant summary: SCN4A c.4508A>G (p.Asn1503Ser) results in a conservative amino acid change located in the Ion transport domain (IPR005821) of the encoded protein sequence. Three of five in-silico tools predict a damaging effect of the variant on protein function. The variant allele was found at a frequency of 0.00013 in 251150 control chromosomes (gnomAD). To our knowledge, no occurrence of c.4508A>G in individuals affected with Acetazolamide-Responsive Myotonia and no experimental evidence demonstrating its impact on protein function have been reported. Four submitters have cited clinical-significance assessments for this variant to ClinVar after 2014. All submitters classified the variant as uncertain significance. Based on the evidence outlined above, the variant was classified as uncertain significance.

Fulgent Genetics
Classification: Uncertain significance for Paramyotonia congenita of Von Eulenburg; Hypokalemic periodic paralysis, type 1; Hyperkalemic periodic paralysis; Potassium-aggravated myotonia; Hypokalemic periodic paralysis, type 2; Congenital myasthenic syndrome 16. Last evaluated: 2022-05-18. Review status: criteria provided, single submitter. Criteria: ACMG Guidelines, 2015. Collection method: clinical testing. Allele origin: unknown.

PreventionGenetics, part of Exact Sciences
Classification: Likely benign for SCN4A-related condition. Last evaluated: 2023-11-16. Review status: no assertion criteria provided. Collection method: clinical testing. Allele origin: germline. Not counted in ClinVar's aggregate classification.
Comment: This variant is classified as likely benign based on ACMG/AMP sequence variant interpretation guidelines (Richards et al. 2015 PMID: 25741868, with internal and published modifications).